The following is an entry in ClinVar:

NM_024753.5(TTC21B):c.2972G>A (p.Arg991His)

Gene: TTC21B (tetratricopeptide repeat domain 21B; minus strand). Cytogenetic location: 2q24.3.
Variant type: single nucleotide variant.
Coding change: c.2972G>A on transcript NM_024753.5 (MANE Select); coding-DNA position 2972, G replaced by A.
Protein change: p.Arg991His; replaces arginine 991 with histidine.
Molecular consequence: missense variant.
Genome position (GRCh38, 1-based): chr2:165,890,967, C>T on the plus strand (G>A on the coding strand, the complement: TTC21B is on the minus strand). VCF-style: chr2-165890967-C-T. GRCh37 (hg19) VCF-style: chr2-166747477-C-T.
Other names: short protein forms R991H.
Identifiers: ClinVar variation 1224481 (VCV001224481.10), dbSNP rs141708554, ClinGen allele CA1941626.

ClinVar aggregate classification (germline): Conflicting classifications of pathogenicity. Review status: criteria provided, conflicting classifications (1 of 4 stars). 5 submissions from 5 submitters: Uncertain significance (4); Likely benign (1). Last evaluated 2026-02-02.

Conditions:
TTC21B-related disorder. Also called: TTC21B-related condition; TTC21B-related disorders.
Jeune thoracic dystrophy. Also called: Jeune syndrome; Infantile thoracic dystrophy; Thoracic pelvic phalangeal dystrophy; Jeune's syndrome; Chondroectodermal dysplasia-like syndrome; Short-rib thoracic dysplasia. Identifiers: Orphanet 474, MedGen C0265275, MONDO:0018770.
Nephronophthisis. Also called: Juvenile Nephronophthisis. Identifiers: Orphanet 655, MedGen C0687120, MONDO:0019005, HP:0000090.
Asphyxiating thoracic dystrophy 4 (SRTD4). Also called: SHORT-RIB THORACIC DYSPLASIA 4 WITH OR WITHOUT POLYDACTYLY; SHORT-RIB THORACIC DYSPLASIA 4. Identifiers: Orphanet 474, MedGen C3151185, MONDO:0013441, OMIM 613819.
Nephronophthisis 12 (NPHP12). Identifiers: Orphanet 655, MedGen C3151186, MONDO:0013442, OMIM 613820.

Allele frequency attached by ClinVar (database versions not stated): gnomAD 0.00002 and 0.00003; TOPMed 0.00003; gnomAD exomes 0.00014; ESP Exome Variant Server 0.00015; 1000 Genomes Project 0.00020; ExAC 0.00025; 1000 Genomes Project 30x 0.00031.
gnomAD v4.1: 116 of 1,612,526 alleles (0.0072%); highest among the groups gnomAD compares: South Asian, 0.087%; no homozygotes.

Submissions (5):

Labcorp Genetics (formerly Invitae), Labcorp
Classification: Likely benign for Jeune thoracic dystrophy; Nephronophthisis. Last evaluated: 2026-02-02. Review status: criteria provided, single submitter. Criteria: Invitae Variant Classification Sherloc (09022015). Collection method: clinical testing. Allele origin: germline.

PreventionGenetics, part of Exact Sciences
Classification: Uncertain significance for TTC21B-related condition. Last evaluated: 2026-01-27. Review status: criteria provided, single submitter. Criteria: ACMG Guidelines, 2015. Collection method: clinical testing. Allele origin: germline.
Comment: The TTC21B c.2972G>A variant is predicted to result in the amino acid substitution p.Arg991His. This variant has been reported in an individual with glomerular kidney disease (Bullich et al. 2017. PubMed ID: 26940125). However, this variant is reported in 0.085% of alleles in individuals of South Asian descent in gnomAD, which may be too frequent to be a primary cause of disease. Although we suspect that this variant may be benign, the clinical significance of this variant is currently classified as uncertain due to the absence of conclusive functional and genetic evidence.

Blueprint Genetics
Classification: Uncertain significance. Last evaluated: 2023-11-01. Review status: criteria provided, single submitter. Criteria: ACMG Guidelines, 2015. Collection method: clinical testing. Allele origin: germline.

Department of Pathology and Laboratory Medicine, Sinai Health System
Classification: Uncertain significance for Asphyxiating thoracic dystrophy 4; Nephronophthisis 12. Last evaluated: 2023-05-17. Review status: criteria provided, single submitter. Criteria: ACMG Guidelines, 2015. Collection method: research. Allele origin: germline.

Fulgent Genetics
Classification: Uncertain significance for Asphyxiating thoracic dystrophy 4; Nephronophthisis 12. Last evaluated: 2022-03-03. Review status: criteria provided, single submitter. Criteria: ACMG Guidelines, 2015. Collection method: clinical testing. Allele origin: unknown.